The following is an entry in ClinVar:

ClinVar aggregate classification (germline): Likely benign (1 of 4 stars; one submission).

Allele frequency attached by ClinVar (database versions not stated): 1000 Genomes Project 30x 0.00109; 1000 Genomes Project 0.00140; TOPMed 0.00270; gnomAD 0.00274; gnomAD exomes 0.00299; ESP Exome Variant Server 0.00323; ExAC 0.00446.
gnomAD v4.1: 4,897 of 1,613,718 alleles (0.3%); highest among the groups gnomAD compares: Middle Eastern, 2.4%; 29 homozygotes.

Submission:

CeGaT Center for Human Genetics Tuebingen
Classification: Likely benign. Last evaluated: 2023-03-01. Review status: criteria provided, single submitter. Criteria: CeGaT Center For Human Genetics Tuebingen Variant Classification Criteria Version 2. Collection method: clinical testing. Allele origin: germline. Affected: yes. Observed: 2 variant alleles.
Comment: DUOX1: BP4, BP7, BS2

NM_175940.3(DUOX1):c.2343C>T (p.Ala781=)

Gene: DUOX1 (dual oxidase 1; plus strand). Cytogenetic location: 15q21.1.
Variant type: single nucleotide variant.
Coding change: c.2343C>T on transcript NM_175940.3 (MANE Select); coding-DNA position 2343, C replaced by T.
Protein change: p.Ala781=; no amino-acid change (alanine 781 retained).
Molecular consequence: synonymous variant.
Genome position (GRCh38, 1-based): chr15:45,147,453, C>T. VCF-style: chr15-45147453-C-T. GRCh37 (hg19) VCF-style: chr15-45439651-C-T.
Other names: c.2343C>T, p.Ala781= (NM_017434.5).
Identifiers: ClinVar variation 2645298 (VCV002645298.24), dbSNP rs143486047, ClinGen allele CA7540831.